The following is an entry in ClinVar:

NM_002905.5(RDH5):c.31C>T (p.Leu11Phe)

Genes: BLOC1S1-RDH5 (BLOC1S1-RDH5 readthrough; plus strand), RDH5 (retinol dehydrogenase 5; plus strand). Cytogenetic location: 12q13.2.
Variant type: single nucleotide variant.
Coding change: c.31C>T on transcript NM_002905.5 (MANE Select); coding-DNA position 31, C replaced by T.
Protein change: p.Leu11Phe; replaces leucine 11 with phenylalanine.
Molecular consequence: missense variant.
Genome position (GRCh38, 1-based): chr12:55,721,215, C>T. VCF-style: chr12-55721215-C-T. GRCh37 (hg19) VCF-style: chr12-56114999-C-T.
Other names: c.31C>T, p.Leu11Phe (NM_001199771.3); short protein forms L11F.
Identifiers: ClinVar variation 1502403 (VCV001502403.5), dbSNP rs753835142, ClinGen allele CA6616724.

ClinVar aggregate classification (germline): Uncertain significance. Review status: criteria provided, multiple submitters, no conflicts (2 of 4 stars). 2 submissions from 2 submitters: Uncertain significance (2). Last evaluated 2023-08-24.

Allele frequency attached by ClinVar (database versions not stated): gnomAD 0.00001 and 0.00003; ExAC 0.00003; gnomAD exomes 0.00004 and 0.00006; TOPMed 0.00004.

Submissions (2):

Blueprint Genetics
Classification: Uncertain significance. Last evaluated: 2023-08-24. Review status: criteria provided, single submitter. Criteria: ACMG Guidelines, 2015. Collection method: clinical testing. Allele origin: germline.

Labcorp Genetics (formerly Invitae), Labcorp
Classification: Uncertain significance. Last evaluated: 2022-08-07. Review status: criteria provided, single submitter. Criteria: Invitae Variant Classification Sherloc (09022015). Collection method: clinical testing. Allele origin: germline.
Comment: This sequence change replaces leucine, which is neutral and non-polar, with phenylalanine, which is neutral and non-polar, at codon 11 of the RDH5 protein (p.Leu11Phe). This variant is present in population databases (rs753835142, gnomAD 0.02%). This variant has not been reported in the literature in individuals affected with RDH5-related conditions. ClinVar contains an entry for this variant (Variation ID: 1502403). Algorithms developed to predict the effect of missense changes on protein structure and function are either unavailable or do not agree on the potential impact of this missense change (SIFT: "Tolerated"; PolyPhen-2: "Not Available"; Align-GVGD: "Class C0"). In summary, the available evidence is currently insufficient to determine the role of this variant in disease. Therefore, it has been classified as a Variant of Uncertain Significance.